The following is an entry in ClinVar:

ClinVar aggregate classification (germline): Uncertain significance. Review status: criteria provided, multiple submitters, no conflicts (2 of 4 stars). 2 submissions from 2 submitters: Uncertain significance (2). Last evaluated 2025-10-07.

Allele frequency attached by ClinVar (database versions not stated): gnomAD exomes 0.00001 and 0.00002; TOPMed 0.00002; gnomAD 0.00003.

Submissions (2):

Ambry Genetics
Classification: Uncertain significance. Last evaluated: 2025-10-07. Review status: criteria provided, single submitter. Criteria: Ambry Variant Classification Scheme 2023. Collection method: clinical testing. Allele origin: germline.

Labcorp Genetics (formerly Invitae), Labcorp
Classification: Uncertain significance. Last evaluated: 2025-02-26. Review status: criteria provided, single submitter. Criteria: Invitae Variant Classification Sherloc (09022015). Collection method: clinical testing. Allele origin: germline.
Comment: This sequence change replaces serine, which is neutral and polar, with arginine, which is basic and polar, at codon 772 of the RNF31 protein (p.Ser772Arg). This variant is present in population databases (rs780822533, gnomAD 0.002%). This variant has not been reported in the literature in individuals affected with RNF31-related conditions. ClinVar contains an entry for this variant (Variation ID: 1448515). An algorithm developed to predict the effect of missense changes on protein structure and function (PolyPhen-2) suggests that this variant is likely to be tolerated. In summary, the available evidence is currently insufficient to determine the role of this variant in disease. Therefore, it has been classified as a Variant of Uncertain Significance.

NM_017999.5(RNF31):c.2316C>G (p.Ser772Arg)

Gene: RNF31 (ring finger protein 31; plus strand). Cytogenetic location: 14q12.
Variant type: single nucleotide variant.
Coding change: c.2316C>G on transcript NM_017999.5 (MANE Select); coding-DNA position 2316, C replaced by G.
Protein change: p.Ser772Arg; replaces serine 772 with arginine.
Molecular consequence: missense variant.
Genome position (GRCh38, 1-based): chr14:24,155,425, C>G. VCF-style: chr14-24155425-C-G. GRCh37 (hg19) VCF-style: chr14-24624634-C-G.
Other names: c.2316C>G (NM_017999.4); c.1863C>G, p.Ser621Arg (NM_001310332.2); short protein forms S621R, S772R.
Identifiers: ClinVar variation 1448515 (VCV001448515.7), dbSNP rs780822533, ClinGen allele CA7126026.
Genomic context (GRCh38, chr14:24,155,425, plus strand): 5'-GCTTTGAACAGGGACCCTCCCACCCACCACCTCTGCATCCTGTCCCCAGCTTCGCGAGAG[C>G]CTAGAGCCAGATGCCTATGCGTTGTTCCATAAGAAGCTGACCGAGGGTGTGCTGATGCGG-3'
Protein context (NP_060469.4, residues 762-782): FSTLDIQLRE[Ser772Arg]LEPDAYALFH